The following is an entry in ClinVar:

ClinVar aggregate classification (germline): Uncertain significance (1 of 4 stars; one submission).

Conditions:
Dyskeratosis congenita, autosomal recessive 6 (DKCB6). Identifiers: MedGen C4225356, MONDO:0014600, OMIM 616353.
Pulmonary fibrosis and/or bone marrow failure, Telomere-related, 4. Also called: PULMONARY FIBROSIS AND/OR BONE MARROW FAILURE SYNDROME, TELOMERE-RELATED, 4. Identifiers: Orphanet 2032, MedGen C4225347, MONDO:0014612, OMIM 616371.

Submission:

Labcorp Genetics (formerly Invitae), Labcorp
Classification: Uncertain significance for Dyskeratosis congenita, autosomal recessive 6; Pulmonary fibrosis and/or bone marrow failure, Telomere-related, 4. Last evaluated: 2022-06-20. Review status: criteria provided, single submitter. Criteria: Invitae Variant Classification Sherloc (09022015). Collection method: clinical testing. Allele origin: germline.
Comment: In summary, the available evidence is currently insufficient to determine the role of this variant in disease. Therefore, it has been classified as a Variant of Uncertain Significance. Algorithms developed to predict the effect of missense changes on protein structure and function (SIFT, PolyPhen-2, Align-GVGD) all suggest that this variant is likely to be tolerated. This variant has not been reported in the literature in individuals affected with PARN-related conditions. This variant is not present in population databases (gnomAD no frequency). This sequence change replaces threonine, which is neutral and polar, with arginine, which is basic and polar, at codon 631 of the PARN protein (p.Thr631Arg).

NM_002582.4(PARN):c.1892C>G (p.Thr631Arg)

Gene: PARN (poly(A)-specific ribonuclease; minus strand). Cytogenetic location: 16p13.12.
Variant type: single nucleotide variant.
Coding change: c.1892C>G on transcript NM_002582.4 (MANE Select); coding-DNA position 1892, C replaced by G.
Protein change: p.Thr631Arg; replaces threonine 631 with arginine.
Molecular consequence: missense variant.
Genome position (GRCh38, 1-based): chr16:14,436,745, G>C on the plus strand (C>G on the coding strand, the complement: PARN is on the minus strand). VCF-style: chr16-14436745-G-C. GRCh37 (hg19) VCF-style: chr16-14530602-G-C.
Other names: c.1709C>G, p.Thr570Arg (NM_001134477.3); c.1754C>G, p.Thr585Arg (NM_001242992.2); short protein forms T585R, T631R, T570R.
Identifiers: ClinVar variation 2008666 (VCV002008666.4), dbSNP rs369208675, ClinGen allele CA395183219.